The following is an entry in ClinVar:

ClinVar aggregate classification (germline): Uncertain significance (1 of 4 stars; one submission).

Submission:

Labcorp Genetics (formerly Invitae), Labcorp
Classification: Uncertain significance. Last evaluated: 2025-06-02. Review status: criteria provided, single submitter. Criteria: Invitae Variant Classification Sherloc (09022015). Collection method: clinical testing. Allele origin: germline.
Comment: This sequence change replaces glycine, which is neutral and non-polar, with arginine, which is basic and polar, at codon 51 of the TGFB1 protein (p.Gly51Arg). This variant is not present in population databases (gnomAD no frequency). This variant has not been reported in the literature in individuals affected with TGFB1-related conditions. ClinVar contains an entry for this variant (Variation ID: 2753889). Invitae Evidence Modeling of protein sequence and biophysical properties (such as structural, functional, and spatial information, amino acid conservation, physicochemical variation, residue mobility, and thermodynamic stability) indicates that this missense variant is not expected to disrupt TGFB1 protein function with a negative predictive value of 80%. In summary, the available evidence is currently insufficient to determine the role of this variant in disease. Therefore, it has been classified as a Variant of Uncertain Significance.

NM_000660.7(TGFB1):c.151G>C (p.Gly51Arg)

Genes: TGFB1 (transforming growth factor beta 1; minus strand), LOC130064510 (ATAC-STARR-seq lymphoblastoid silent region 10661; plus strand). Cytogenetic location: 19q13.2.
Variant type: single nucleotide variant.
Coding change: c.151G>C on transcript NM_000660.7 (MANE Select); coding-DNA position 151, G replaced by C.
Protein change: p.Gly51Arg; replaces glycine 51 with arginine.
Molecular consequence: missense variant.
Genome position (GRCh38, 1-based): chr19:41,352,894, C>G on the plus strand (G>C on the coding strand, the complement: TGFB1 is on the minus strand). VCF-style: chr19-41352894-C-G. GRCh37 (hg19) VCF-style: chr19-41858799-C-G.
Other names: short protein forms G51R.
Identifiers: ClinVar variation 2753889 (VCV002753889.3), dbSNP rs2513392775, ClinGen allele CA406005939.
Genomic context (GRCh38, chr19:41,352,894, plus strand): 5'-CGGGCGGCACCTCCCCCTGGCTCGGGGGGCTGGCGAGCCGCAGCTTGGACAGGATCTGGC[C>G]GCGGATGGCCTCGATGCGCTTCCGCTTCACCAGCTCCATGTCGATAGTCTTGCAGGTGGA-3'
Protein context (NP_000651.3, residues 41-61): VKRKRIEAIR[Gly51Arg]QILSKLRLAS